The following is an entry in ClinVar:

NM_000719.7(CACNA1C):c.6034C>T (p.Arg2012Trp)

Genes: CACNA1C (calcium voltage-gated channel subunit alpha1 C; plus strand), CACNA1C-AS1 (CACNA1C antisense RNA 1; minus strand). Cytogenetic location: 12p13.33.
Variant type: single nucleotide variant.
Coding change: c.6034C>T on transcript NM_000719.7 (MANE Select); coding-DNA position 6034, C replaced by T.
Protein change: p.Arg2012Trp; replaces arginine 2012 with tryptophan.
Molecular consequence: missense variant.
Genome position (GRCh38, 1-based): chr12:2,688,696, C>T. VCF-style: chr12-2688696-C-T. GRCh37 (hg19) VCF-style: chr12-2797862-C-T.
Other names: c.6178C>T, p.Arg2060Trp (NM_001129827.2); c.6157C>T, p.Arg2053Trp (NM_001129829.2); c.6139C>T, p.Arg2047Trp (NM_001129830.3, NM_001167624.3); c.6118C>T, p.Arg2040Trp (NM_001129831.2); c.6094C>T, p.Arg2032Trp (NM_001129832.2); c.6091C>T, p.Arg2031Trp (NM_001129833.2, NM_001129834.2, NM_001129835.2); c.6085C>T, p.Arg2029Trp (NM_001129836.2); c.6058C>T, p.Arg2020Trp (NM_001129837.2, NM_001129838.2); and 6 more; short protein forms R2047W, R2012W, R2060W, R2029W, R2031W, R2040W, R2095W, R2001W.
Identifiers: ClinVar variation 411718 (VCV000411718.16), dbSNP rs553500083, ClinGen allele CA6390060.

ClinVar aggregate classification (germline): Conflicting classifications of pathogenicity. Review status: criteria provided, conflicting classifications (1 of 4 stars). 5 submissions from 5 submitters: Uncertain significance (3); Likely benign (2). Last evaluated 2025-12-08.

Conditions:
CACNA1C-related disorder. Also called: CACNA1C-related disorders; CACNA1C-related condition. Identifiers: MedGen CN381092, MONDO:0700321.
Timothy syndrome (TS). Also called: LONG QT SYNDROME WITH SYNDACTYLY. Identifiers: Orphanet 65283, MedGen C1832916, MeSH C536962, MONDO:0010979, OMIM 601005.
Brugada syndrome 3 (BRGDA3). Identifiers: Orphanet 130, MedGen C2678478, MONDO:0012742, OMIM 611875.
Long QT syndrome 8. Identifiers: MedGen CN260585, MONDO:0032756, OMIM 618447.
Cardiovascular phenotype. Identifiers: MedGen CN230736.
Long QT syndrome (LQTS). Identifiers: MedGen C0023976, MeSH D008133, MONDO:0002442. Disease mechanism: loss of function. Inheritance: Various modes of inheritance.

Allele frequency attached by ClinVar (database versions not stated): gnomAD exomes 0.00001 and 0.00002; TOPMed 0.00016; 1000 Genomes Project 30x 0.00016; ExAC 0.00002; gnomAD 0.00013; 1000 Genomes Project 0.00020.
gnomAD v4.1: 37 of 1,611,780 alleles (0.0023%); highest among the groups gnomAD compares: Admixed American, 0.038%; no homozygotes.

Submissions (5):

PreventionGenetics, part of Exact Sciences
Classification: Uncertain significance for CACNA1C-related condition. Last evaluated: 2025-12-08. Review status: criteria provided, single submitter. Criteria: ACMG Guidelines, 2015. Collection method: clinical testing. Allele origin: germline.
Comment: The CACNA1C c.6034C>T variant is predicted to result in the amino acid substitution p.Arg2012Trp. To our knowledge, this variant has not been reported in the literature. This variant is reported in 0.014% of alleles in individuals of Latino descent in gnomAD. At this time, the clinical significance of this variant is uncertain due to the absence of conclusive functional and genetic evidence.

Labcorp Genetics (formerly Invitae), Labcorp
Classification: Likely benign for Long QT syndrome. Last evaluated: 2025-11-09. Review status: criteria provided, single submitter. Criteria: Invitae Variant Classification Sherloc (09022015). Collection method: clinical testing. Allele origin: germline.

Ambry Genetics
Classification: Likely benign for Cardiovascular phenotype. Last evaluated: 2025-06-17. Review status: criteria provided, single submitter. Criteria: Ambry Variant Classification Scheme 2023. Collection method: clinical testing. Allele origin: germline.

Fulgent Genetics
Classification: Uncertain significance for Timothy syndrome; Brugada syndrome 3; Long QT syndrome 8. Last evaluated: 2021-11-04. Review status: criteria provided, single submitter. Criteria: ACMG Guidelines, 2015. Collection method: clinical testing. Allele origin: unknown.

Women's Health and Genetics/Laboratory Corporation of America, LabCorp
Classification: Uncertain significance. Last evaluated: 2021-03-11. Review status: criteria provided, single submitter. Criteria: LabCorp Variant Classification Summary - May 2015. Collection method: clinical testing. Allele origin: germline.
Comment: Variant summary: CACNA1C c.6034C>T (p.Arg2012Trp) results in a non-conservative amino acid change in the encoded protein sequence. Three of five in-silico tools predict a damaging effect of the variant on protein function. The variant allele was found at a frequency of 2.5e-05 in 242122 control chromosomes. The available data on variant occurrences in the general population are insufficient to allow any conclusion about variant significance. To our knowledge, no occurrence of c.6034C>T in individuals affected with Timothy Syndrome and no experimental evidence demonstrating its impact on protein function have been reported. One clinical diagnostic laboratory has submitted clinical-significance assessments for this variant to ClinVar after 2014 without evidence for independent evaluation and classified the variant as uncertain significance. Based on the evidence outlined above, the variant was classified as uncertain significance.